The following is an entry in ClinVar:

ClinVar aggregate classification (germline): Uncertain significance (1 of 4 stars; one submission).

Conditions:
Werner syndrome (WRN). Identifiers: Orphanet 902, MedGen C0043119, MONDO:0010196, OMIM 277700.

gnomAD v4.1: 3 of 1,613,856 alleles (0.00019%); highest among the groups gnomAD compares: Non-Finnish European, 0.00017%; no homozygotes.

Submission:

Labcorp Genetics (formerly Invitae), Labcorp
Classification: Uncertain significance for Werner syndrome. Last evaluated: 2022-10-30. Review status: criteria provided, single submitter. Criteria: Invitae Variant Classification Sherloc (09022015). Collection method: clinical testing. Allele origin: germline.
Comment: This sequence change replaces asparagine, which is neutral and polar, with lysine, which is basic and polar, at codon 1197 of the WRN protein (p.Asn1197Lys). This variant is not present in population databases (gnomAD no frequency). This variant has not been reported in the literature in individuals affected with WRN-related conditions. ClinVar contains an entry for this variant (Variation ID: 953387). Algorithms developed to predict the effect of missense changes on protein structure and function are either unavailable or do not agree on the potential impact of this missense change (SIFT: "Not Available"; PolyPhen-2: "Probably Damaging"; Align-GVGD: "Not Available"). In summary, the available evidence is currently insufficient to determine the role of this variant in disease. Therefore, it has been classified as a Variant of Uncertain Significance.

NM_000553.6(WRN):c.3591C>A (p.Asn1197Lys)

Gene: WRN (WRN RecQ like helicase; plus strand). Cytogenetic location: 8p12.
Variant type: single nucleotide variant.
Coding change: c.3591C>A on transcript NM_000553.6 (MANE Select); coding-DNA position 3591, C replaced by A.
Protein change: p.Asn1197Lys; replaces asparagine 1197 with lysine.
Molecular consequence: missense variant.
Genome position (GRCh38, 1-based): chr8:31,150,359, C>A. VCF-style: chr8-31150359-C-A. GRCh37 (hg19) VCF-style: chr8-31007875-C-A.
Other names: short protein forms N1197K.
Identifiers: ClinVar variation 953387 (VCV000953387.4), dbSNP rs151143960, ClinGen allele CA174907902.
Genomic context (GRCh38, chr8:31,150,359, plus strand): 5'-TCTTGACCTTTTTGTTGTTGTTGTTGTTGTTGTTAAACACAGACCAACTACGGTTGAAAA[C>A]GTAAAAAGGATTGATGGTGTTTCTGAAGGCAAAGCTGCCATGTTGGCCCCTCTGTTGGAA-3'
Protein context (NP_000544.2, residues 1187-1207): MAKMRPTTVE[Asn1197Lys]VKRIDGVSEG